The following is an entry in ClinVar:

ClinVar aggregate classification (germline): Benign/Likely benign. Review status: criteria provided, multiple submitters, no conflicts (2 of 4 stars). 12 submissions from 12 submitters: Benign (9); Likely benign (1). 2 of the submissions do not count toward it. Last evaluated 2026-02-04.

Conditions:
X-linked spondyloepimetaphyseal dysplasia. Identifiers: Orphanet 93349, MedGen C1848097, MONDO:0010248, OMIM 300106.
Meester-Loeys syndrome. Also called: X-linked severe syndromic thoracic aortic aneurysm and dissection. Identifiers: Orphanet 622925, MedGen C4310811, MONDO:0010515, OMIM 300989.
Cardiovascular phenotype. Identifiers: MedGen CN230736.

Allele frequency attached by ClinVar (database versions not stated): TOPMed 0.01010; gnomAD exomes 0.01316 and 0.01339; gnomAD 0.01131 and 0.01139; 1000 Genomes Project 0.00689; ESP Exome Variant Server 0.01259; 1000 Genomes Project 30x 0.00645; ExAC 0.01266.

Submissions (12):

Labcorp Genetics (formerly Invitae), Labcorp
Classification: Benign. Last evaluated: 2026-02-04. Review status: criteria provided, single submitter. Criteria: Invitae Variant Classification Sherloc (09022015). Collection method: clinical testing. Allele origin: germline.

ARUP Laboratories, Molecular Genetics and Genomics, ARUP Laboratories
Classification: Benign. Last evaluated: 2025-07-22. Review status: criteria provided, single submitter. Criteria: ARUP Molecular Germline Variant Investigation Process 2024. Collection method: clinical testing. Allele origin: germline.

Blueprint Genetics
Classification: Benign. Last evaluated: 2024-11-28. Review status: criteria provided, single submitter. Criteria: ACMG Guidelines, 2015. Collection method: clinical testing. Allele origin: germline.

Women's Health and Genetics/Laboratory Corporation of America, LabCorp
Classification: Likely benign. Last evaluated: 2023-04-10. Review status: criteria provided, single submitter. Criteria: LabCorp Variant Classification Summary - May 2015. Collection method: clinical testing. Allele origin: germline.

Mayo Clinic Laboratories, Mayo Clinic
Classification: Benign. Last evaluated: 2022-04-26. Review status: criteria provided, single submitter. Criteria: ACMG Guidelines, 2015. Collection method: clinical testing. Allele origin: germline. Observed: 15 variant alleles.

Fulgent Genetics
Classification: Benign for X-linked spondyloepimetaphyseal dysplasia; Meester-Loeys syndrome. Last evaluated: 2021-10-27. Review status: criteria provided, single submitter. Criteria: ACMG Guidelines, 2015. Collection method: clinical testing. Allele origin: unknown.

GeneDx
Classification: Benign. Last evaluated: 2021-09-28. Review status: criteria provided, single submitter. Criteria: GeneDx Variant Classification Process June 2021. Collection method: clinical testing. Allele origin: germline. Affected: yes.
Comment: This variant is associated with the following publications: (PMID: PMID: 18602826)

Genome-Nilou Lab
Classification: Benign for X-linked spondyloepimetaphyseal dysplasia. Last evaluated: 2021-05-18. Review status: criteria provided, single submitter. Criteria: ACMG Guidelines, 2015. Collection method: clinical testing. Allele origin: germline. Affected: no.

Ambry Genetics
Classification: Benign for Cardiovascular phenotype. Last evaluated: 2019-02-26. Review status: criteria provided, single submitter. Criteria: Ambry Variant Classification Scheme 2023. Collection method: clinical testing. Allele origin: germline.

Breakthrough Genomics
Classification: Benign. Review status: criteria provided, single submitter. Criteria: ACMG Guidelines, 2015. Collection method: not provided. Allele origin: germline. Inheritance: X-linked inheritance. Affected: yes.

Genome Diagnostics Laboratory, Amsterdam University Medical Center
Classification: Benign. Review status: no assertion criteria provided. Collection method: clinical testing. Allele origin: germline. Affected: yes. Study: VKGL Data-share Consensus. Not counted in ClinVar's aggregate classification.

Laboratory of Diagnostic Genome Analysis, Leiden University Medical Center (LUMC)
Classification: Likely benign. Review status: no assertion criteria provided. Collection method: clinical testing. Allele origin: germline. Affected: yes. Study: VKGL Data-share Consensus. Not counted in ClinVar's aggregate classification.

NM_001711.6(BGN):c.257A>G (p.Lys86Arg)

Gene: BGN (biglycan; plus strand). Cytogenetic location: Xq28.
Variant type: single nucleotide variant.
Coding change: c.257A>G on transcript NM_001711.6 (MANE Select); coding-DNA position 257, A replaced by G.
Protein change: p.Lys86Arg; replaces lysine 86 with arginine.
Molecular consequence: missense variant.
Genome position (GRCh38, 1-based): chrX:153,505,256, A>G. VCF-style: chrX-153505256-A-G. GRCh37 (hg19) VCF-style: chrX-152770714-A-G.
Other names: p.Lys86Arg; c.257A>G (NM_001711.5, NM_001711.4); short protein forms K86R.
Identifiers: ClinVar variation 1098726 (VCV001098726.25), dbSNP rs146073993, ClinGen allele CA10547179.